The following is an entry in ClinVar:

ClinVar aggregate classification (germline): Uncertain significance. Review status: criteria provided, multiple submitters, no conflicts (2 of 4 stars). 2 submissions from 2 submitters: Uncertain significance (2). Last evaluated 2026-01-13.

Conditions:
Hereditary cancer-predisposing syndrome. Also called: Neoplastic Syndromes, Hereditary; Tumor predisposition; Hereditary Cancer Syndrome; Hereditary neoplastic syndrome. Identifiers: Orphanet 140162, MedGen C0027672, MeSH D009386, MONDO:0015356.
Familial cancer of breast. Also called: BREAST CANCER, FAMILIAL; Hereditary breast cancer; hereditary breast carcinoma. Identifiers: Orphanet 227535, MedGen C0346153, MONDO:0016419, OMIM 114480. Disease mechanism: loss of function.

Submissions (2):

Ambry Genetics
Classification: Uncertain significance for Hereditary cancer-predisposing syndrome. Last evaluated: 2026-01-13. Review status: criteria provided, single submitter. Criteria: Ambry Variant Classification Scheme 2023. Collection method: clinical testing. Allele origin: germline.
Comment: The c.1677A>G variant (also known as p.Q559Q), located in coding exon 4 of the PALB2 gene, results from an A to G substitution at nucleotide position 1677. This nucleotide substitution does not change the amino acid at codon 559. This nucleotide position is well conserved in available vertebrate species. In silico splice site analysis predicts that this alteration may result in the creation or strengthening of a novel splice donor site. Based on the available evidence, the clinical significance of this variant remains unclear.

Labcorp Genetics (formerly Invitae), Labcorp
Classification: Uncertain significance for Familial cancer of breast. Last evaluated: 2022-02-06. Review status: criteria provided, single submitter. Criteria: Invitae Variant Classification Sherloc (09022015). Collection method: clinical testing. Allele origin: germline.
Comment: This sequence change affects codon 559 of the PALB2 mRNA. It is a 'silent' change, meaning that it does not change the encoded amino acid sequence of the PALB2 protein. In summary, the available evidence is currently insufficient to determine the role of this variant in disease. Therefore, it has been classified as a Variant of Uncertain Significance. Algorithms developed to predict the effect of sequence changes on RNA splicing suggest that this variant may create or strengthen a splice site. This variant has not been reported in the literature in individuals affected with PALB2-related conditions. This variant is not present in population databases (gnomAD no frequency).

NM_024675.4(PALB2):c.1677A>G (p.Gln559=)

Gene: PALB2 (partner and localizer of BRCA2; minus strand). Cytogenetic location: 16p12.2.
Variant type: single nucleotide variant.
Coding change: c.1677A>G on transcript NM_024675.4 (MANE Select); coding-DNA position 1677, A replaced by G.
Protein change: p.Gln559=; no amino-acid change (glutamine 559 retained).
Molecular consequence: synonymous variant. On other transcripts: intron variant (3).
Genome position (GRCh38, 1-based): chr16:23,634,869, T>C on the plus strand (A>G on the coding strand, the complement: PALB2 is on the minus strand). VCF-style: chr16-23634869-T-C. GRCh37 (hg19) VCF-style: chr16-23646190-T-C.
Other names: c.1617A>G, p.Gln539= (NM_001407296.1); c.1677A>G, p.Gln559= (NM_001407297.1, NM_001407298.1, NM_001407299.1 and 3 more transcripts); c.792A>G, p.Gln264= (NM_001407304.1, NM_001407305.1, NM_001407306.1 and 5 more transcripts); c.49-5594A>G (NM_001407314.1); c.-104-4400A>G (NM_001407313.1, NM_001407312.1).
Identifiers: ClinVar variation 2093927 (VCV002093927.5), dbSNP rs1966946695, ClinGen allele CA494461289.
Genomic context (GRCh38, chr16:23,634,869, plus strand): 5'-AATTGTTAACTTTCATCATCATCATCATCATCATCAAACACATCTTGATTTACCTTTCAC[T>C]TGAATAAATAATTTTTCGTGCTGATATTTGTGTGAGGTGACTTCTTCCTTGGACCTGTTA-3'
Protein context (NP_078951.2, residues 549-569): HKYQHEKLFI[Gln559=]VKGKKSRHQK